The following is an entry in ClinVar:

ClinVar aggregate classification (germline): Uncertain significance (1 of 4 stars; one submission).

Submission:

Women's Health and Genetics/Laboratory Corporation of America, LabCorp
Classification: Uncertain significance. Last evaluated: 2023-07-28. Review status: criteria provided, single submitter. Criteria: LabCorp Variant Classification Summary - May 2015. Collection method: clinical testing. Allele origin: germline.
Comment: Variant summary: HBB c.259G>T (p.Ala87Ser) results in a conservative amino acid change in the encoded protein sequence. Three of five in-silico tools predict a damaging effect of the variant on protein function. The variant allele was found at a frequency of 4e-06 in 251424 control chromosomes. The available data on variant occurrences in the general population are insufficient to allow any conclusion about variant significance. To our knowledge, no occurrence of c.259G>T in individuals affected with Beta Thalassemia and no experimental evidence demonstrating its impact on protein function have been reported. No submitters have cited clinical-significance assessments for this variant to ClinVar after 2014. Based on the evidence outlined above, the variant was classified as uncertain significance.

NM_000518.5(HBB):c.259G>T (p.Ala87Ser)

Genes: HBB (hemoglobin subunit beta; minus strand), LOC106099062 (HBB recombination region; plus strand), LOC107133510 (origin of replication at HBB; plus strand). Cytogenetic location: 11p15.4.
Variant type: single nucleotide variant.
Coding change: c.259G>T on transcript NM_000518.5 (MANE Select); coding-DNA position 259, G replaced by T.
Protein change: p.Ala87Ser; replaces alanine 87 with serine.
Molecular consequence: missense variant.
Genome position (GRCh38, 1-based): chr11:5,226,633, C>A on the plus strand (G>T on the coding strand, the complement: HBB is on the minus strand). VCF-style: chr11-5226633-C-A. GRCh37 (hg19) VCF-style: chr11-5247863-C-A.
Other names: short protein forms A87S.
Identifiers: ClinVar variation 2577314 (VCV002577314.1), dbSNP rs33952147, ClinGen allele CA379273807.